The following is an entry in ClinVar:

ClinVar aggregate classification (germline): Uncertain significance (1 of 4 stars; one submission).

Allele frequency attached by ClinVar (database versions not stated): gnomAD 0.00001; ExAC 0.00002.
gnomAD v4.1: 7 of 1,613,190 alleles (0.00043%); highest among the groups gnomAD compares: Non-Finnish European, 0.00059%; no homozygotes.

Submission:

Labcorp Genetics (formerly Invitae), Labcorp
Classification: Uncertain significance. Last evaluated: 2021-12-24. Review status: criteria provided, single submitter. Criteria: Invitae Variant Classification Sherloc (09022015). Collection method: clinical testing. Allele origin: germline.
Comment: This sequence change replaces phenylalanine, which is neutral and non-polar, with leucine, which is neutral and non-polar, at codon 64 of the SLC25A3 protein (p.Phe64Leu). This variant is present in population databases (rs762115323, gnomAD 0.002%). This variant has not been reported in the literature in individuals affected with SLC25A3-related conditions. Algorithms developed to predict the effect of missense changes on protein structure and function are either unavailable or do not agree on the potential impact of this missense change (SIFT: "Deleterious"; PolyPhen-2: "Benign"; Align-GVGD: "Class C0"). In summary, the available evidence is currently insufficient to determine the role of this variant in disease. Therefore, it has been classified as a Variant of Uncertain Significance.

NM_005888.4(SLC25A3):c.192C>G (p.Phe64Leu)

Gene: SLC25A3 (solute carrier family 25 member 3; plus strand). Cytogenetic location: 12q23.1.
Variant type: single nucleotide variant.
Coding change: c.192C>G on transcript NM_005888.4 (MANE Plus Clinical); coding-DNA position 192, C replaced by G.
Protein change: p.Phe64Leu; replaces phenylalanine 64 with leucine.
Molecular consequence: missense variant. On other transcripts: intron variant (2).
Genome position (GRCh38, 1-based): chr12:98,595,467, C>G. VCF-style: chr12-98595467-C-G. GRCh37 (hg19) VCF-style: chr12-98989245-C-G.
Other names: c.158-260C>G (NM_213611.3, NM_002635.4); short protein forms F64L.
Identifiers: ClinVar variation 2189417 (VCV002189417.4), dbSNP rs762115323, ClinGen allele CA6732857.
Genomic context (GRCh38, chr12:98,595,467, plus strand): 5'-TGATTTTTTTTTTTCCAATCAAACAGAGCAGTATAGCTGTGACTATGGATCTGGCAGATT[C>G]TTTATCCTTTGTGGACTTGGAGGAATTATTAGCTGTGGCACAACACATACAGCATTGGTT-3'
Protein context (NP_005879.1, residues 54-74): QYSCDYGSGR[Phe64Leu]FILCGLGGII